The following is an entry in ClinVar:

NM_006218.4(PIK3CA):c.1292A>T (p.Asp431Val)

Gene: PIK3CA (phosphatidylinositol-4,5-bisphosphate 3-kinase catalytic subunit alpha; plus strand). Cytogenetic location: 3q26.32.
Variant type: single nucleotide variant.
Coding change: c.1292A>T on transcript NM_006218.4 (MANE Select); coding-DNA position 1292, A replaced by T.
Protein change: p.Asp431Val; replaces aspartic acid 431 with valine.
Molecular consequence: missense variant.
Genome position (GRCh38, 1-based): chr3:179,210,226, A>T. VCF-style: chr3-179210226-A-T. GRCh37 (hg19) VCF-style: chr3-178928014-A-T.
Other names: short protein forms D431V.
Identifiers: ClinVar variation 1721772 (VCV001721772.6), dbSNP rs2473510861, ClinGen allele CA355261648.

ClinVar aggregate classification (germline): Uncertain significance (1 of 4 stars; one submission).

Conditions:
Cowden syndrome (CS). Also called: Cowden's disease; Cowden's syndrome; Cowden disease. Identifiers: Orphanet 201, MedGen C0018553, MONDO:0016063. Disease mechanism: gain of function.

Submission:

Labcorp Genetics (formerly Invitae), Labcorp
Classification: Uncertain significance for Cowden syndrome. Last evaluated: 2024-04-30. Review status: criteria provided, single submitter. Criteria: Invitae Variant Classification Sherloc (09022015). Collection method: clinical testing. Allele origin: germline.
Comment: This sequence change replaces aspartic acid, which is acidic and polar, with valine, which is neutral and non-polar, at codon 431 of the PIK3CA protein (p.Asp431Val). This variant is not present in population databases (gnomAD no frequency). This variant has not been reported in the literature in individuals affected with PIK3CA-related conditions. ClinVar contains an entry for this variant (Variation ID: 1721772). Advanced modeling of protein sequence and biophysical properties (such as structural, functional, and spatial information, amino acid conservation, physicochemical variation, residue mobility, and thermodynamic stability) has been performed at Invitae for this missense variant, however the output from this modeling did not meet the statistical confidence thresholds required to predict the impact of this variant on PIK3CA protein function. Algorithms developed to predict the effect of sequence changes on RNA splicing suggest that this variant may create or strengthen a splice site. In summary, the available evidence is currently insufficient to determine the role of this variant in disease. Therefore, it has been classified as a Variant of Uncertain Significance.